The following is an entry in ClinVar:

NM_006947.4(SRP72):c.149G>A (p.Cys50Tyr)

Gene: SRP72 (signal recognition particle 72; plus strand). Cytogenetic location: 4q12.
Variant type: single nucleotide variant.
Coding change: c.149G>A on transcript NM_006947.4 (MANE Select); coding-DNA position 149, G replaced by A.
Protein change: p.Cys50Tyr; replaces cysteine 50 with tyrosine.
Molecular consequence: missense variant. On other transcripts: non-coding transcript variant (1).
Genome position (GRCh38, 1-based): chr4:56,469,692, G>A. VCF-style: chr4-56469692-G-A. GRCh37 (hg19) VCF-style: chr4-57335858-G-A.
Other names: c.149G>A, p.Cys50Tyr (NM_001267722.2); c.149G>A (NM_006947.3); short protein forms C50Y.
Identifiers: ClinVar variation 1475386 (VCV001475386.10), dbSNP rs773723388, ClinGen allele CA2930988.
Genomic context (GRCh38, chr4:56,469,692, plus strand): 5'-TTTCCTAAAATTGTTCTCTAGTACTACAGATCAACAAAGATGACGTAACTGCCCTGCATT[G>A]TAAAGTGGTATGCCTTATCCAGAATGGAAGTTTCAAGGAAGCTTTGAATGTCATCAATAC-3'
Protein context (NP_008878.3, residues 40-60): INKDDVTALH[Cys50Tyr]KVVCLIQNGS

ClinVar aggregate classification (germline): Uncertain significance. Review status: criteria provided, multiple submitters, no conflicts (2 of 4 stars). 4 submissions from 4 submitters: Uncertain significance (4). Last evaluated 2026-09-01.

Conditions:
SRP72-related disorder. Also called: SRP72-related condition.

Allele frequency attached by ClinVar (database versions not stated): gnomAD exomes 0.00004; ExAC 0.00004; gnomAD 0.00002; TOPMed 0.00002.
gnomAD v4.1: 15 of 1,612,050 alleles (0.00093%); highest among the groups gnomAD compares: Admixed American, 0.025%; no homozygotes.

Submissions (4):

GeneDx
Classification: Uncertain significance. Last evaluated: 2026-09-01. Review status: criteria provided, single submitter. Criteria: GeneDx Variant Classification Process June 2021. Collection method: clinical testing. Allele origin: germline.
Comment: In silico analysis supports that this missense variant has a deleterious effect on protein structure/function; Has not been previously published as pathogenic or benign to our knowledge; This variant is associated with the following publications: (PMID: 27899666, 28369529)

Labcorp Genetics (formerly Invitae), Labcorp
Classification: Uncertain significance. Last evaluated: 2025-12-02. Review status: criteria provided, single submitter. Criteria: Invitae Variant Classification Sherloc (09022015). Collection method: clinical testing. Allele origin: germline.
Comment: This sequence change replaces cysteine, which is neutral and slightly polar, with tyrosine, which is neutral and polar, at codon 50 of the SRP72 protein (p.Cys50Tyr). This variant is present in population databases (rs773723388, gnomAD 0.03%). This variant has not been reported in the literature in individuals affected with SRP72-related conditions. ClinVar contains an entry for this variant (Variation ID: 1475386). Invitae Evidence Modeling of protein sequence and biophysical properties (such as structural, functional, and spatial information, amino acid conservation, physicochemical variation, residue mobility, and thermodynamic stability) has been performed for this missense variant. However, the output from this modeling did not meet the statistical confidence thresholds required to predict the impact of this variant on SRP72 protein function. In summary, the available evidence is currently insufficient to determine the role of this variant in disease. Therefore, it has been classified as a Variant of Uncertain Significance.

Ambry Genetics
Classification: Uncertain significance. Last evaluated: 2024-11-25. Review status: criteria provided, single submitter. Criteria: Ambry Variant Classification Scheme 2023. Collection method: clinical testing. Allele origin: germline.
Comment: The p.C50Y variant (also known as c.149G>A), located in coding exon 2 of the SRP72 gene, results from a G to A substitution at nucleotide position 149. The cysteine at codon 50 is replaced by tyrosine, an amino acid with highly dissimilar properties. This amino acid position is conserved. In addition, this alteration is predicted to be deleterious by in silico analysis. Based on the available evidence, the clinical significance of this variant remains unclear.

PreventionGenetics, part of Exact Sciences
Classification: Uncertain significance for SRP72-related condition. Last evaluated: 2022-10-19. Review status: criteria provided, single submitter. Criteria: ACMG Guidelines, 2015. Collection method: clinical testing. Allele origin: germline.
Comment: The SRP72 c.149G>A variant is predicted to result in the amino acid substitution p.Cys50Tyr. To our knowledge, this variant has not been reported in the literature. This variant is reported in 0.026% of alleles in individuals of Latino descent in gnomAD and is interpreted as uncertain significance in ClinVar. Although we suspect that this variant may be benign, at this time, the clinical significance of this variant is uncertain due to the absence of conclusive functional and genetic evidence.